The following is an entry in ClinVar:

ClinVar aggregate classification (germline): Likely pathogenic (1 of 4 stars; one submission).

Submission:

GeneDx
Classification: Likely pathogenic. Last evaluated: 2015-12-09. Review status: criteria provided, single submitter. Criteria: GeneDx Variant Classification (06012015). Collection method: clinical testing. Allele origin: germline. Affected: yes.
Comment: The R1503S variant in the ATRX gene has not been reported previously as a pathogenic variant, nor as a benign variant, to our knowledge. The R1503S variant was not observed in approximately 6500 individuals of European and African American ancestry in the NHLBI Exome Sequencing Project, indicating it is not a common benign variant in these populations. The R1503S variant is a semi-conservative amino acid substitution, which may impact secondary protein structure as these residues differ in some properties. This substitution occurs at a position that is conserved across species. In silico analysis predicts this variant is probably damaging to the protein structure/function. The R1503S variant is a strong candidate for a pathogenic variant.

NM_000489.6(ATRX):c.4509A>T (p.Arg1503Ser)

Gene: ATRX (ATRX chromatin remodeler; minus strand). Cytogenetic location: Xq21.1.
Variant type: single nucleotide variant.
Coding change: c.4509A>T on transcript NM_000489.6 (MANE Select); coding-DNA position 4509, A replaced by T.
Protein change: p.Arg1503Ser; replaces arginine 1503 with serine.
Molecular consequence: missense variant.
Genome position (GRCh38, 1-based): chrX:77,652,162, T>A on the plus strand (A>T on the coding strand, the complement: ATRX is on the minus strand). VCF-style: chrX-77652162-T-A. GRCh37 (hg19) VCF-style: chrX-76907652-T-A.
Other names: c.4395A>T, p.Arg1465Ser (NM_138270.5); short protein forms R1503S, R1465S.
Identifiers: ClinVar variation 372813 (VCV000372813.1), dbSNP rs1057517997, ClinGen allele CA16043297.